The following is an entry in ClinVar:

NM_000059.4(BRCA2):c.4600A>G (p.Ile1534Val)

Gene: BRCA2 (BRCA2 DNA repair associated; plus strand). Cytogenetic location: 13q13.1.
Variant type: single nucleotide variant.
Coding change: c.4600A>G on transcript NM_000059.4 (MANE Select); coding-DNA position 4600, A replaced by G.
Protein change: p.Ile1534Val; replaces isoleucine 1534 with valine.
Molecular consequence: missense variant.
Genome position (GRCh38, 1-based): chr13:32,338,955, A>G. VCF-style: chr13-32338955-A-G. GRCh37 (hg19) VCF-style: chr13-32913092-A-G.
Other names: c.4600A>G, p.Ile1534Val (NM_001406719.1, NM_001406720.1); short protein forms I1534V.
Identifiers: ClinVar variation 1741822 (VCV001741822.4), dbSNP rs2137508148, ClinGen allele CA387781971.

ClinVar aggregate classification (germline): Conflicting classifications of pathogenicity. Review status: criteria provided, conflicting classifications (1 of 4 stars). 2 submissions from 2 submitters: Uncertain significance (1); Likely benign (1). Last evaluated 2023-03-23.

Conditions:
Hereditary cancer-predisposing syndrome. Also called: Hereditary Cancer Syndrome; Hereditary neoplastic syndrome; Neoplastic Syndromes, Hereditary; Tumor predisposition. Identifiers: Orphanet 140162, MedGen C0027672, MeSH D009386, MONDO:0015356.

Submissions (2):

University of Washington Department of Laboratory Medicine, University of Washington
Classification: Likely benign for Hereditary cancer-predisposing syndrome. Last evaluated: 2023-03-23. Review status: criteria provided, single submitter. Criteria: Dines et al. (Genet Med. 2020). Collection method: curation. Allele origin: germline.
Comment: Missense variant in a coldspot region where missense variants are very unlikely to be pathogenic (PMID:31911673).

BRCA2 exon 11 coldspot. Reclassification based on statistical prior probability.

Ambry Genetics
Classification: Uncertain significance for Hereditary cancer-predisposing syndrome. Last evaluated: 2021-04-15. Review status: criteria provided, single submitter. Criteria: Ambry Variant Classification Scheme 2023. Collection method: clinical testing. Allele origin: germline.
Comment: The p.I1534V variant (also known as c.4600A>G), located in coding exon 10 of the BRCA2 gene, results from an A to G substitution at nucleotide position 4600. The isoleucine at codon 1534 is replaced by valine, an amino acid with highly similar properties. This amino acid position is well conserved in available vertebrate species; however, valine is the reference amino acid in other vertebrate species. In addition, this alteration is predicted to be tolerated by in silico analysis. Since supporting evidence is limited at this time, the clinical significance of this alteration remains unclear.